The following is an entry in ClinVar:

ClinVar aggregate classification (germline): Pathogenic (1 of 4 stars; one submission).

Conditions:
Hereditary breast ovarian cancer syndrome. Also called: Hereditary breast and ovarian cancer syndrome (HBOC); Hereditary breast and ovarian cancer syndrome; Hereditary breast and/or ovarian cancer syndrome; Hereditary breast and ovarian cancer; Breast and ovarian cancer; BRCA1- and BRCA2-Associated Hereditary Breast and Ovarian Cancer. Identifiers: Orphanet 145, MedGen C0677776, MeSH D061325, MONDO:0003582. Disease mechanism: loss of function.

Submission:

Labcorp Genetics (formerly Invitae), Labcorp
Classification: Pathogenic for Hereditary breast ovarian cancer syndrome. Last evaluated: 2023-05-05. Review status: criteria provided, single submitter. Criteria: Invitae Variant Classification Sherloc (09022015). Collection method: clinical testing. Allele origin: germline.
Comment: For these reasons, this variant has been classified as Pathogenic. This variant has not been reported in the literature in individuals affected with BRCA1-related conditions. This variant is not present in population databases (gnomAD no frequency). This sequence change creates a premature translational stop signal (p.Met1008Lysfs*7) in the BRCA1 gene. It is expected to result in an absent or disrupted protein product. Loss-of-function variants in BRCA1 are known to be pathogenic (PMID: 20104584).

Literature cited by the submitters: PubMed 20104584.

NM_007294.4(BRCA1):c.3021_3058del (p.Met1008fs)

Gene: BRCA1 (BRCA1 DNA repair associated; minus strand). Cytogenetic location: 17q21.31.
Variant type: Deletion.
Coding change: c.3021_3058del on transcript NM_007294.4 (MANE Select); coding-DNA positions 3021 to 3058, 38 bases deleted.
Protein change: p.Met1008fs; shifts the reading frame from methionine 1008.
Molecular consequence: frameshift variant. On other transcripts: intron variant (137).
Genome position (GRCh38, 1-based): chr17:43,092,473-43,092,510, 38 bases deleted; deleting any 38 consecutive bases within chr17:43,092,473-43,092,518 gives the same sequence; the c. name uses the placement nearest the transcript's 3' end. GRCh37 (hg19): chr17:41,244,498-41,244,535.
Other names: c.524-1478_524-1441del (NM_001408500.1, NM_001408497.1, NM_001408496.1 and 3 more transcripts); c.647-1478_647-1441del (NM_001408466.1, NM_001408452.1, NM_001408457.1 and 11 more transcripts); c.788-1478_788-1441del (NM_001407973.1, NM_001408403.1, NM_001407983.1 and 17 more transcripts); c.404-1478_404-1441del (NM_001408511.1); c.521-1478_521-1441del (NM_001408505.1, NM_001408504.1, NM_001408503.1); c.461-1478_461-1441del (NM_001408507.1, NM_001408506.1); c.545-1478_545-1441del (NM_001408495.1); c.662-1478_662-1441del (NM_001408448.1, NM_001408445.1, NM_001408432.1 and 6 more transcripts); and 41 more; short protein forms M880fs, M919fs, M938fs, M940fs, M967fs, M982fs, M1007fs, M1008fs.
Identifiers: ClinVar variation 2859980 (VCV002859980.3), dbSNP rs2552173068, ClinGen allele CA2739265596.